The following is an entry in ClinVar:

NM_031220.4(PITPNM3):c.2671C>T (p.Arg891Cys)

Gene: PITPNM3 (PITPNM family member 3; minus strand). Cytogenetic location: 17p13.2.
Variant type: single nucleotide variant.
Coding change: c.2671C>T on transcript NM_031220.4 (MANE Select); coding-DNA position 2671, C replaced by T.
Protein change: p.Arg891Cys; replaces arginine 891 with cysteine.
Molecular consequence: missense variant.
Genome position (GRCh38, 1-based): chr17:6,455,592, G>A on the plus strand (C>T on the coding strand, the complement: PITPNM3 is on the minus strand). VCF-style: chr17-6455592-G-A. GRCh37 (hg19) VCF-style: chr17-6358912-G-A.
Other names: c.2671C>T (NM_031220.3); c.2563C>T, p.Arg855Cys (NM_001165966.2); short protein forms R855C, R891C.
Identifiers: ClinVar variation 3603740 (VCV003603740.3).
Genomic context (GRCh38, chr17:6,455,592, plus strand): 5'-GCAGCCCGAAGCTGCCCTTGCGCAGGATCATGCGCGAGTTGTTCTTCTTTGGGCGTGAGC[G>A]GTGGCTGGCCTCCAGCGCGGCCAGGTGTGCGGCGTAGCCCTCGCTCAGGAACTGCGGAGG-3'
Protein context (NP_112497.2, residues 881-901): AHLAALEASH[Arg891Cys]SRPKKNNSRM

ClinVar aggregate classification (germline): Uncertain significance. Review status: criteria provided, multiple submitters, no conflicts (2 of 4 stars). 2 submissions from 2 submitters: Uncertain significance (2). Last evaluated 2025-08-13.

gnomAD v4.1: 47 of 1,595,274 alleles (0.0029%); highest among the groups gnomAD compares: South Asian, 0.025%; no homozygotes.

Submissions (2):

Ambry Genetics
Classification: Uncertain significance. Last evaluated: 2025-08-13. Review status: criteria provided, single submitter. Criteria: Ambry Variant Classification Scheme 2023. Collection method: clinical testing. Allele origin: germline.

Labcorp Genetics (formerly Invitae), Labcorp
Classification: Uncertain significance. Last evaluated: 2024-10-22. Review status: criteria provided, single submitter. Criteria: Invitae Variant Classification Sherloc (09022015). Collection method: clinical testing. Allele origin: germline.
Comment: This sequence change replaces arginine, which is basic and polar, with cysteine, which is neutral and slightly polar, at codon 891 of the PITPNM3 protein (p.Arg891Cys). This variant is present in population databases (rs749750327, gnomAD 0.03%). This variant has not been reported in the literature in individuals affected with PITPNM3-related conditions. Invitae Evidence Modeling of protein sequence and biophysical properties (such as structural, functional, and spatial information, amino acid conservation, physicochemical variation, residue mobility, and thermodynamic stability) indicates that this missense variant is not expected to disrupt PITPNM3 protein function with a negative predictive value of 80%. In summary, the available evidence is currently insufficient to determine the role of this variant in disease. Therefore, it has been classified as a Variant of Uncertain Significance.